The following is an entry in ClinVar:

ClinVar aggregate classification (germline): Conflicting classifications of pathogenicity. Review status: criteria provided, conflicting classifications (1 of 4 stars). 3 submissions from 3 submitters: Uncertain significance (2); Likely benign (1). Last evaluated 2025-12-29.

Conditions:
Hereditary cancer-predisposing syndrome. Also called: Neoplastic Syndromes, Hereditary; Hereditary Cancer Syndrome; Tumor predisposition; Hereditary neoplastic syndrome. Identifiers: Orphanet 140162, MedGen C0027672, MeSH D009386, MONDO:0015356.
Renal cell carcinoma. Identifiers: Orphanet 217071, MedGen C0007134, MeSH D002292, MONDO:0005086, HP:0005584.

Allele frequency attached by ClinVar (database versions not stated): gnomAD exomes below 0.00001; ExAC 0.00001; gnomAD 0.00001.
gnomAD v4.1: 12 of 1,613,928 alleles (0.00074%); highest among the groups gnomAD compares: Non-Finnish European, 0.00093%; no homozygotes.

Submissions (3):

Center for Genomic Medicine, Rigshospitalet, Copenhagen University Hospital
Classification: Uncertain significance. Last evaluated: 2025-12-29. Review status: criteria provided, single submitter. Criteria: ACMG Guidelines, 2015. Collection method: clinical testing. Allele origin: germline.

Labcorp Genetics (formerly Invitae), Labcorp
Classification: Uncertain significance for Renal cell carcinoma. Last evaluated: 2025-11-17. Review status: criteria provided, single submitter. Criteria: Invitae Variant Classification Sherloc (09022015). Collection method: clinical testing. Allele origin: germline.
Comment: This sequence change replaces glutamic acid, which is acidic and polar, with aspartic acid, which is acidic and polar, at codon 83 of the MET protein (p.Glu83Asp). This variant is present in population databases (rs751158831, gnomAD 0.0009%). This variant has not been reported in the literature in individuals affected with MET-related conditions. ClinVar contains an entry for this variant (Variation ID: 943966). Invitae Evidence Modeling of protein sequence and biophysical properties (such as structural, functional, and spatial information, amino acid conservation, physicochemical variation, residue mobility, and thermodynamic stability) indicates that this missense variant is not expected to disrupt MET protein function with a negative predictive value of 80%. In summary, the available evidence is currently insufficient to determine the role of this variant in disease. Therefore, it has been classified as a Variant of Uncertain Significance.

Ambry Genetics
Classification: Likely benign for Hereditary cancer-predisposing syndrome. Last evaluated: 2025-10-30. Review status: criteria provided, single submitter. Criteria: Ambry Variant Classification Scheme 2023. Collection method: clinical testing. Allele origin: germline.

NM_000245.4(MET):c.249G>C (p.Glu83Asp)

Gene: MET (MET proto-oncogene, receptor tyrosine kinase; plus strand). Cytogenetic location: 7q31.2.
Variant type: single nucleotide variant.
Coding change: c.249G>C on transcript NM_000245.4 (MANE Select); coding-DNA position 249, G replaced by C.
Protein change: p.Glu83Asp; replaces glutamic acid 83 with aspartic acid.
Molecular consequence: missense variant. On other transcripts: intron variant (1).
Genome position (GRCh38, 1-based): chr7:116,699,333, G>C. VCF-style: chr7-116699333-G-C. GRCh37 (hg19) VCF-style: chr7-116339387-G-C.
Other names: c.249G>C, p.Glu83Asp (NM_001127500.3, NM_001324401.3); c.-91+26756G>C (NM_001324402.2); short protein forms E83D.
Identifiers: ClinVar variation 943966 (VCV000943966.18), dbSNP rs751158831, ClinGen allele CA4447968.